The following is an entry in ClinVar:

ClinVar aggregate classification (germline): Uncertain significance (1 of 4 stars; one submission).

Conditions:
Hypertrophic cardiomyopathy. Also called: HYPERTROPHIC MYOCARDIOPATHY. Identifiers: Orphanet 217569, MedGen C0007194, MeSH D002312, MONDO:0005045, HP:0001639.

gnomAD v4.1: 1 of 1,607,400 alleles (0.000062%); highest among the groups gnomAD compares: Admixed American, 0.0017%; no homozygotes.

Submission:

Labcorp Genetics (formerly Invitae), Labcorp
Classification: Uncertain significance for Hypertrophic cardiomyopathy. Last evaluated: 2024-12-02. Review status: criteria provided, single submitter. Criteria: Invitae Variant Classification Sherloc (09022015). Collection method: clinical testing. Allele origin: germline.
Comment: This sequence change replaces alanine, which is neutral and non-polar, with glycine, which is neutral and non-polar, at codon 176 of the MYBPC3 protein (p.Ala176Gly). This variant is present in population databases (rs753683535, gnomAD 0.003%). This variant has not been reported in the literature in individuals affected with MYBPC3-related conditions. ClinVar contains an entry for this variant (Variation ID: 2867870). An algorithm developed to predict the effect of missense changes on protein structure and function (PolyPhen-2) suggests that this variant is likely to be disruptive. In summary, the available evidence is currently insufficient to determine the role of this variant in disease. Therefore, it has been classified as a Variant of Uncertain Significance.

NM_000256.3(MYBPC3):c.527C>G (p.Ala176Gly)

Gene: MYBPC3 (myosin binding protein C3; minus strand). Cytogenetic location: 11p11.2.
Variant type: single nucleotide variant.
Coding change: c.527C>G on transcript NM_000256.3 (MANE Select); coding-DNA position 527, C replaced by G.
Protein change: p.Ala176Gly; replaces alanine 176 with glycine.
Molecular consequence: missense variant.
Genome position (GRCh38, 1-based): chr11:47,349,901, G>C on the plus strand (C>G on the coding strand, the complement: MYBPC3 is on the minus strand). VCF-style: chr11-47349901-G-C. GRCh37 (hg19) VCF-style: chr11-47371452-G-C.
Other names: short protein forms A176G.
Identifiers: ClinVar variation 2867870 (VCV002867870.2), dbSNP rs753683535, ClinGen allele CA055870.